The following is an entry in ClinVar:

ClinVar aggregate classification (germline): Uncertain significance (1 of 4 stars; one submission).

Conditions:
Ehlers-Danlos syndrome, type 4 (EDSVASC). Also called: Ehlers-Danlos syndrome vascular type; Ehlers Danlos syndrome, ecchymotic type; Ehlers Danlos syndrome, arterial type; Ehlers Danlos syndrome, Sack-Barabas type; Ehlers-Danlos Syndrome Type IV. Identifiers: Orphanet 286, MedGen C0268338, MONDO:0017314, OMIM 130050.

Submission:

Labcorp Genetics (formerly Invitae), Labcorp
Classification: Uncertain significance for Ehlers-Danlos syndrome, type 4. Last evaluated: 2025-10-26. Review status: criteria provided, single submitter. Criteria: Invitae Variant Classification Sherloc (09022015). Collection method: clinical testing. Allele origin: germline.
Comment: This sequence change falls in intron 18 of the COL3A1 gene. It does not directly change the encoded amino acid sequence of the COL3A1 protein. It affects a nucleotide within the consensus splice site. This variant is not present in population databases (gnomAD no frequency). This variant has not been reported in the literature in individuals affected with COL3A1-related conditions. Variants that disrupt the consensus splice site are a relatively common cause of aberrant splicing (PMID: 17576681, 9536098). Algorithms developed to predict the effect of sequence changes on RNA splicing suggest that this variant may disrupt the consensus splice site. In summary, the available evidence is currently insufficient to determine the role of this variant in disease. Therefore, it has been classified as a Variant of Uncertain Significance.

Literature cited by the submitters: PubMed 17576681; PubMed 9536098.

NM_000090.4(COL3A1):c.1293+2_1293+3insTT

Gene: COL3A1 (collagen type III alpha 1 chain; plus strand). Cytogenetic location: 2q32.2.
Variant type: Insertion.
Coding change: c.1293+2_1293+3insTT on transcript NM_000090.4 (MANE Select); the canonical splice donor site of the intron after coding-DNA position 1293 through 3 bases into the intron after coding-DNA position 1293, TT inserted.
Molecular consequence: splice donor variant.
Genome position: GRCh38 VCF-style: chr2-188994333-G-GTT. GRCh37 (hg19) VCF-style: chr2-189859059-G-GTT.
Identifiers: ClinVar variation 4729880 (VCV004729880.1).